The following is an entry in ClinVar:

NM_000540.3(RYR1):c.6518A>C (p.Gln2173Pro)

Gene: RYR1 (ryanodine receptor 1; plus strand). Cytogenetic location: 19q13.2.
Variant type: single nucleotide variant.
Coding change: c.6518A>C on transcript NM_000540.3 (MANE Select); coding-DNA position 6518, A replaced by C.
Protein change: p.Gln2173Pro; replaces glutamine 2173 with proline.
Molecular consequence: missense variant.
Genome position (GRCh38, 1-based): chr19:38,494,595, A>C. VCF-style: chr19-38494595-A-C. GRCh37 (hg19) VCF-style: chr19-38985235-A-C.
Other names: c.6518A>C, p.Gln2173Pro (NM_001042723.2); short protein forms Q2173P.
Identifiers: ClinVar variation 3074024 (VCV003074024.2), dbSNP rs2514276560, ClinGen allele CA405664397.

ClinVar aggregate classification (germline): Uncertain significance. Review status: criteria provided, multiple submitters, no conflicts (2 of 4 stars). 2 submissions from 2 submitters: Uncertain significance (2). Last evaluated 2026-02-06.

Conditions:
Malignant hyperthermia, susceptibility to, 1 (MHS1). Also called: Malignant hyperthermia suceptibility 1; Anesthesia related hyperthermia; Malignant hyperpyrexia; Fulminating hyperpyrexia; Pharmacogenic myopathy; RYR1-Related Malignant Hyperthermia Susceptibility. Identifiers: Orphanet 423, MedGen C2930980, MONDO:0007783, OMIM 145600.

Submissions (2):

GeneDx
Classification: Uncertain significance. Last evaluated: 2026-02-06. Review status: criteria provided, single submitter. Criteria: GeneDx Variant Classification Process June 2021. Collection method: clinical testing. Allele origin: germline.
Comment: Not observed at significant frequency in large population cohorts (gnomAD); In silico analysis supports that this missense variant has a deleterious effect on protein structure/function; Has not been previously published as pathogenic or benign to our knowledge; This variant is associated with the following publications: (PMID: 12668474, 33767344)

All of Us Research Program, National Institutes of Health
Classification: Uncertain significance for Malignant hyperthermia, susceptibility to, 1. Last evaluated: 2023-11-30. Review status: criteria provided, single submitter. Criteria: ACMG Guidelines, 2015. Collection method: clinical testing. Allele origin: germline. Inheritance: Autosomal dominant inheritance. Observed: 1 variant allele, 1 heterozygote.
Comment: This study involves interpretation of variants in research participants for the purpose of population health screening. Participant phenotype was not available at the time of variant classification. Additional details can be found in publication PMID: 35346344, PMCID: PMC8962531